The following is an entry in ClinVar:

ClinVar aggregate classification (germline): Pathogenic (1 of 4 stars; one submission).

Submission:

Labcorp Genetics (formerly Invitae), Labcorp
Classification: Pathogenic. Last evaluated: 2024-02-23. Review status: criteria provided, single submitter. Criteria: Invitae Variant Classification Sherloc (09022015). Collection method: clinical testing. Allele origin: germline.
Comment: This sequence change creates a premature translational stop signal (p.Tyr216*) in the YWHAG gene. While this is not anticipated to result in nonsense mediated decay, it is expected to disrupt the last 32 amino acid(s) of the YWHAG protein. This variant is not present in population databases (gnomAD no frequency). This premature translational stop signal has been observed in individual(s) with developmental and epileptic encephalopathy (Invitae). In at least one individual the variant was observed to be de novo. Experimental studies and prediction algorithms are not available or were not evaluated, and the functional significance of this variant is currently unknown. For these reasons, this variant has been classified as Pathogenic.

NM_012479.4(YWHAG):c.648_671del (p.Tyr216_Gln224delinsTer)

Gene: YWHAG (tyrosine 3-monooxygenase/tryptophan 5-monooxygenase activation protein gamma; minus strand). Cytogenetic location: 7q11.23.
Variant type: Deletion.
Coding change: c.648_671del on transcript NM_012479.4 (MANE Select); coding-DNA positions 648 to 671, 24 bases deleted (CAAGGACTCCACGCTCATCATGCA).
Protein change: p.Tyr216_Gln224delinsTer.
Molecular consequence: nonsense.
Genome position (GRCh38, 1-based): chr7:76,329,650-76,329,673, TGCATGATGAGCGTGGAGTCCTTG deleted on the plus strand (CAAGGACTCCACGCTCATCATGCA on the coding strand, the reverse complement: YWHAG is on the minus strand); deleting any 24 consecutive bases within chr7:76,329,650-76,329,674 gives the same sequence; the c. name uses the placement nearest the transcript's 3' end. VCF-style (leftmost placement, unchanged base first): chr7-76329649-CTGCATGATGAGCGTGGAGTCCTTG-C. GRCh37 (hg19) VCF-style: chr7-75958966-CTGCATGATGAGCGTGGAGTCCTTG-C.
Identifiers: ClinVar variation 2713430 (VCV002713430.3), dbSNP rs2536180514, ClinGen allele CA2697557334.